The following is an entry in ClinVar:

ClinVar aggregate classification (germline): Benign (0 of 4 stars; one submission).

Conditions:
METTL13-related disorder. Also called: METTL13-related condition.

Allele frequency attached by ClinVar (database versions not stated): gnomAD exomes 0.27727; ExAC 0.29045; ESP Exome Variant Server 0.29748; gnomAD 0.30528; TOPMed 0.30762; 1000 Genomes Project 0.31809; 1000 Genomes Project 30x 0.31886.
gnomAD v4.1: 452,549 of 1,613,394 alleles (28%); highest among the groups gnomAD compares: East Asian, 56%; 66,196 homozygotes.

Submission:

PreventionGenetics, part of Exact Sciences
Classification: Benign for METTL13-related condition. Last evaluated: 2019-10-17. Review status: no assertion criteria provided. Collection method: clinical testing. Allele origin: germline.
Comment: This variant is classified as benign based on ACMG/AMP sequence variant interpretation guidelines (Richards et al. 2015 PMID: 25741868, with internal and published modifications).

NM_015935.5(METTL13):c.1065G>A (p.Ser355=)

Gene: METTL13 (methyltransferase 13, eEF1A N-terminus and K55; plus strand). Cytogenetic location: 1q24.3.
Variant type: single nucleotide variant.
Coding change: c.1065G>A on transcript NM_015935.5 (MANE Select); coding-DNA position 1065, G replaced by A.
Protein change: p.Ser355=; no amino-acid change (serine 355 retained).
Molecular consequence: synonymous variant.
Genome position (GRCh38, 1-based): chr1:171,786,030, G>A. VCF-style: chr1-171786030-G-A. GRCh37 (hg19) VCF-style: chr1-171755170-G-A.
Other names: c.597G>A, p.Ser199= (NM_001007239.2); c.807G>A, p.Ser269= (NM_014955.3).
Identifiers: ClinVar variation 3059448 (VCV003059448.2), dbSNP rs2232818, ClinGen allele CA1244775.